The following is an entry in ClinVar:

ClinVar aggregate classification (germline): Uncertain significance (1 of 4 stars; one submission).

Submission:

GeneDx
Classification: Uncertain significance. Last evaluated: 2024-12-13. Review status: criteria provided, single submitter. Criteria: GeneDx Variant Classification Process June 2021. Collection method: clinical testing. Allele origin: germline. Affected: yes.
Comment: Not observed at significant frequency in large population cohorts (gnomAD); In-frame deletion of 3 amino acids in a non-repeat region; In silico analysis indicates that this variant does not alter protein structure/function; Has not been previously published as pathogenic or benign to our knowledge

NM_014727.3(KMT2B):c.7055_7063del (p.Leu2352_Glu2354del)

Gene: KMT2B (lysine methyltransferase 2B; plus strand). Cytogenetic location: 19q13.12.
Variant type: Deletion.
Coding change: c.7055_7063del on transcript NM_014727.3 (MANE Select); coding-DNA positions 7055 to 7063, 9 bases deleted (TCCAGGAAC; older notation c.7055_7063delTCCAGGAAC).
Protein change: p.Leu2352_Glu2354del.
Genome position (GRCh38, 1-based): chr19:35,733,768-35,733,776, TCCAGGAAC deleted; deleting any 9 consecutive bases within chr19:35,733,767-35,733,776 gives the same sequence; the c. name uses the placement nearest the transcript's 3' end. VCF-style (leftmost placement, unchanged base first): chr19-35733766-CCTCCAGGAA-C. GRCh37 (hg19) VCF-style: chr19-36224667-CCTCCAGGAA-C.
Identifiers: ClinVar variation 3378220 (VCV003378220.2).